The following is an entry in ClinVar:

ClinVar aggregate classification (germline): Uncertain significance (1 of 4 stars; one submission).

Submission:

Women's Health and Genetics/Laboratory Corporation of America, LabCorp
Classification: Uncertain significance. Last evaluated: 2024-08-15. Review status: criteria provided, single submitter. Criteria: LabCorp Variant Classification Summary - May 2015. Collection method: clinical testing. Allele origin: germline.
Comment: Variant summary: POU4F3 c.444C>G (p.His148Gln) results in a non-conservative amino acid change in the encoded protein sequence. Three of five in-silico tools predict a benign effect of the variant on protein function. The frequency data for this variant in gnomAD is considered unreliable, as metrics indicate poor data quality at this position. To our knowledge, no occurrence of c.444C>G in individuals affected with Autosomal Dominant Nonsyndromic Hearing Loss 15 and no experimental evidence demonstrating its impact on protein function have been reported. No submitters have cited clinical-significance assessments for this variant to ClinVar. Based on the evidence outlined above, the variant was classified as uncertain significance.

NM_002700.3(POU4F3):c.444C>G (p.His148Gln)

Genes: POU4F3 (POU class 4 homeobox 3; plus strand), LOC127814297 (RBM27-POU4F3; plus strand). Cytogenetic location: 5q32.
Variant type: single nucleotide variant.
Coding change: c.444C>G on transcript NM_002700.3 (MANE Select); coding-DNA position 444, C replaced by G.
Protein change: p.His148Gln; replaces histidine 148 with glutamine.
Molecular consequence: missense variant. On other transcripts: 3 prime UTR variant (1).
Genome position (GRCh38, 1-based): chr5:146,339,871, C>G. VCF-style: chr5-146339871-C-G. GRCh37 (hg19) VCF-style: chr5-145719434-C-G.
Other names: c.*313C>G (NM_001414499.1); short protein forms H148Q.
Identifiers: ClinVar variation 3366782 (VCV003366782.1).
Genomic context (GRCh38, chr5:146,339,871, plus strand): 5'-TGTGAGCGGCCTGGGCGCTCCGGAACACTCGGTGATGCCCGCACAGATCCATCCACACCA[C>G]CTGGGCGCCATGGGCCACCTGCACCAGGCCATGGGCATGAGTCACCCGCACACCGTGGCC-3'
Protein context (NP_002691.1, residues 138-158): SVMPAQIHPH[His148Gln]LGAMGHLHQA